The following is an entry in ClinVar:

ClinVar aggregate classification (germline): Pathogenic. Review status: criteria provided, multiple submitters, no conflicts (2 of 4 stars). 2 submissions from 2 submitters: Pathogenic (2). Last evaluated 2021-01-15.

Conditions:
Cardiovascular phenotype. Identifiers: MedGen CN230736.

Submissions (2):

Ambry Genetics
Classification: Pathogenic for Cardiovascular phenotype. Last evaluated: 2021-01-15. Review status: criteria provided, single submitter. Criteria: Ambry Variant Classification Scheme 2023. Collection method: clinical testing. Allele origin: germline.
Comment: The p.S305P pathogenic mutation (also known as c.913T>C), located in coding exon 6 of the ACVRL1 gene, results from a T to C substitution at nucleotide position 913. The serine at codon 305 is replaced by proline, an amino acid with similar properties. Several relatives were affected with GI bleeding, epistaxis and telangiectasias were reported to also carry this mutation (Abdalla SA et al. Hum Mutat, 2005 Mar;25:320-1). This variant was not reported in population-based cohorts in the Genome Aggregation Database (gnomAD). This amino acid position is highly conserved in available vertebrate species. In addition, this alteration is predicted to be deleterious by in silico analysis. Based on the supporting evidence, this alteration is interpreted as a disease-causing mutation.

ARUP Laboratories, Molecular Genetics and Genomics, ARUP Laboratories
Classification: Pathogenic. Last evaluated: 2017-11-07. Review status: criteria provided, single submitter. Criteria: ARUP Molecular Germline Variant Investigation Process. Collection method: clinical testing. Allele origin: germline.
Comment: The ACVRL1 c.913T>C; p.Ser305Pro variant has previously been described in several affected members of a family with HHT (Abdalla 2005). Additionally, a different variant at this codon (p.Ser305Phe) is considered pathogenic (see HHT database). The p.Ser305Pro variant is absent from general population databases (Exome Variant Server, Genome Aggregation Database). The serine at codon 305 is a highly conserved residue in the protein kinase domain, and computational algorithms (SIFT, PolyPhen2, MutationTaster) predict this variant to be damaging to the protein. Based on the above information, p.Ser305Pro is considered pathogenic. REFERENCES ACVRL1 HHT database link: Abdalla SA et al. Novel mutations and polymorphisms in genes causing hereditary hemorrhagic telangiectasia. Hum Mutat. 2005 Mar;25(3):320-1.

Literature cited by the submitters: PubMed 15712271 (cited by Ambry Genetics).

NM_000020.3(ACVRL1):c.913T>C (p.Ser305Pro)

Gene: ACVRL1 (activin A receptor like type 1; plus strand). Cytogenetic location: 12q13.13.
Variant type: single nucleotide variant.
Coding change: c.913T>C on transcript NM_000020.3 (MANE Select); coding-DNA position 913, T replaced by C.
Protein change: p.Ser305Pro; replaces serine 305 with proline.
Molecular consequence: missense variant.
Genome position (GRCh38, 1-based): chr12:51,915,365, T>C. VCF-style: chr12-51915365-T-C. GRCh37 (hg19) VCF-style: chr12-52309149-T-C.
Other names: c.913T>C, p.Ser305Pro (NM_001077401.2); short protein forms S305P.
Identifiers: ClinVar variation 617957 (VCV000617957.9), dbSNP rs1565594238, ClinGen allele CA384900945.
Genomic context (GRCh38, chr12:51,915,365, plus strand): 5'-CTCTACGACTTTCTGCAGAGACAGACGCTGGAGCCCCATCTGGCTCTGAGGCTAGCTGTG[T>C]CCGCGGCATGCGGCCTGGCGCACCTGCACGTGGAGATCTTCGGTACACAGGGCAAACCAG-3'
Protein context (NP_000011.2, residues 295-315): EPHLALRLAV[Ser305Pro]AACGLAHLHV